The following is an entry in ClinVar:

ClinVar aggregate classification (germline): Likely pathogenic (1 of 4 stars; one submission).

Submission:

Mayo Clinic Laboratories, Mayo Clinic
Classification: Likely pathogenic. Last evaluated: 2023-06-09. Review status: criteria provided, single submitter. Criteria: ACMG Guidelines, 2015. Collection method: clinical testing. Allele origin: germline. Observed: 1 variant allele.
Comment: PM2, PVS1

NM_001267550.2(TTN):c.79519_79520del (p.Ala26507fs)

Genes: TTN-AS1 (TTN antisense RNA 1; plus strand), TTN (titin; minus strand). Cytogenetic location: 2q31.2.
Variant type: Deletion.
Coding change: c.79519_79520del on transcript NM_001267550.2 (MANE Select); coding-DNA positions 79519 to 79520, 2 bases deleted (GC; older notation c.79519_79520delGC).
Protein change: p.Ala26507fs; shifts the reading frame from alanine 26507.
Molecular consequence: frameshift variant.
Genome position (GRCh38, 1-based): chr2:178,566,612-178,566,613, GC deleted on the plus strand (GC on the coding strand, the reverse complement: TTN is on the minus strand). VCF-style (leftmost placement, unchanged base first): chr2-178566611-GGC-G. GRCh37 (hg19) VCF-style: chr2-179431338-GGC-G.
Other names: p.Ala23939Leufs*3; c.74596_74597del, p.Ala24866fs (NM_001256850.1); c.52324_52325del, p.Ala17442fs (NM_003319.4); c.71815_71816del, p.Ala23939fs (NM_133378.4); c.52699_52700del, p.Ala17567fs (NM_133432.3); c.52900_52901del, p.Ala17634fs (NM_133437.4); short protein forms A17442fs, A17567fs, A17634fs, A23939fs, A24866fs, A26507fs.
Identifiers: ClinVar variation 2682813 (VCV002682813.1), dbSNP rs2468292863, ClinGen allele CA2697551407.